The following is an entry in ClinVar:

NM_206933.4(USH2A):c.824T>G (p.Leu275Ter)

Gene: USH2A (usherin; minus strand). Cytogenetic location: 1q41.
Variant type: single nucleotide variant.
Coding change: c.824T>G on transcript NM_206933.4 (MANE Select); coding-DNA position 824, T replaced by G.
Protein change: p.Leu275Ter; replaces leucine 275 with a stop codon.
Molecular consequence: nonsense.
Genome position (GRCh38, 1-based): chr1:216,327,615, A>C on the plus strand (T>G on the coding strand, the complement: USH2A is on the minus strand). VCF-style: chr1-216327615-A-C. GRCh37 (hg19) VCF-style: chr1-216500957-A-C.
Other names: c.824T>G, p.Leu275Ter (NM_007123.6); short protein forms L275*.
Identifiers: ClinVar variation 4292334 (VCV004292334.1).

ClinVar aggregate classification (germline): Likely pathogenic (1 of 4 stars; one submission).

Conditions:
Retinitis pigmentosa 39 (RP39). Identifiers: Orphanet 791, MedGen C3151138, MONDO:0013436, OMIM 613809.

Submission:

3billion
Classification: Likely pathogenic for Retinitis pigmentosa 39. Last evaluated: 2024-12-18. Review status: criteria provided, single submitter. Criteria: ACMG Guidelines, 2015. Collection method: clinical testing. Allele origin: germline. Affected: yes.
Comment: The variant is not observed in the gnomAD v4.1.0 dataset. Predicted Consequence/Location: Stop-gained (nonsense): predicted to result in a loss or disruption of normal protein function through nonsense-mediated decay (NMD) or protein truncation. Multiple pathogenic variants are reported downstream of the variant. Therefore, this variant is classified as Likely pathogenic according to the recommendation of ACMG/AMP guideline.